The following is an entry in ClinVar:

ClinVar aggregate classification (germline): Uncertain significance (1 of 4 stars; one submission).

Conditions:
Hereditary cancer-predisposing syndrome. Also called: Neoplastic Syndromes, Hereditary; Tumor predisposition; Hereditary Cancer Syndrome; Hereditary neoplastic syndrome. Identifiers: Orphanet 140162, MedGen C0027672, MeSH D009386, MONDO:0015356.

Submission:

Ambry Genetics
Classification: Uncertain significance for Hereditary cancer-predisposing syndrome. Last evaluated: 2026-01-14. Review status: criteria provided, single submitter. Criteria: Ambry Variant Classification Scheme 2023. Collection method: clinical testing. Allele origin: germline.
Comment: The p.T884A variant (also known as c.2650A>G), located in coding exon 20 of the POLD1 gene, results from an A to G substitution at nucleotide position 2650. The threonine at codon 884 is replaced by alanine, an amino acid with similar properties. This amino acid position is conserved. In addition, this alteration is predicted to be tolerated by in silico analysis. Based on the available evidence, the clinical significance of this variant remains unclear.

NM_002691.4(POLD1):c.2650A>G (p.Thr884Ala)

Gene: POLD1 (DNA polymerase delta 1, catalytic subunit; plus strand). Cytogenetic location: 19q13.33.
Variant type: single nucleotide variant.
Coding change: c.2650A>G on transcript NM_002691.4 (MANE Select); coding-DNA position 2650, A replaced by G.
Protein change: p.Thr884Ala; replaces threonine 884 with alanine.
Molecular consequence: missense variant. On other transcripts: non-coding transcript variant (1).
Genome position (GRCh38, 1-based): chr19:50,415,523, A>G. VCF-style: chr19-50415523-A-G. GRCh37 (hg19) VCF-style: chr19-50918780-A-G.
Other names: c.2650A>G, p.Thr884Ala (NM_001256849.1, NM_001438212.1, NM_001438213.1); c.2728A>G, p.Thr910Ala (NM_001308632.1); c.2578A>G, p.Thr860Ala (NM_001438210.1, NM_001438211.1); short protein forms T884A, T860A, T910A.
Identifiers: ClinVar variation 4841605 (VCV004841605.1).